The following is an entry in ClinVar:

ClinVar aggregate classification (germline): Likely benign. Review status: criteria provided, multiple submitters, no conflicts (2 of 4 stars). 4 submissions from 4 submitters: Likely benign (4). Last evaluated 2026-01-17.

Conditions:
Loeys-Dietz syndrome 2 (LDS2). Also called: TGFBR2-Related Loeys-Dietz Syndrome; Marfan Syndrome type 2; Marfan like connective tissue disorder; MFS 2; AORTIC ANEURYSM, FAMILIAL THORACIC 3; MARFAN SYNDROME, TYPE II. Identifiers: Orphanet 284973, Orphanet 558, MedGen C2674574, MONDO:0012427, OMIM 610168.
Familial thoracic aortic aneurysm and aortic dissection (TAAD). Also called: Thoracic aortic aneurysms and dissections. Identifiers: Orphanet 91387, MedGen C4707243, MONDO:0019625.

gnomAD v4.1: 1 of 1,614,090 alleles (0.000062%); highest among the groups gnomAD compares: African/African-American, 0.0013%; no homozygotes.

Submissions (4):

Ambry Genetics
Classification: Likely benign for Familial thoracic aortic aneurysm and aortic dissection. Last evaluated: 2026-01-17. Review status: criteria provided, single submitter. Criteria: Ambry Variant Classification Scheme 2023. Collection method: clinical testing. Allele origin: germline.

Labcorp Genetics (formerly Invitae), Labcorp
Classification: Likely benign for Familial thoracic aortic aneurysm and aortic dissection. Last evaluated: 2024-06-30. Review status: criteria provided, single submitter. Criteria: Invitae Variant Classification Sherloc (09022015). Collection method: clinical testing. Allele origin: germline.

All of Us Research Program, National Institutes of Health
Classification: Likely benign for Loeys-Dietz syndrome 2. Last evaluated: 2024-06-09. Review status: criteria provided, single submitter. Criteria: ACMG Guidelines, 2015. Collection method: clinical testing. Allele origin: germline. Inheritance: Autosomal dominant inheritance. Observed: 1 variant allele, 1 heterozygote.
Comment: This study involves interpretation of variants in research participants for the purpose of population health screening. Participant phenotype was not available at the time of variant classification. Additional details can be found in publication PMID: 35346344, PMCID: PMC8962531

Color Diagnostics, LLC DBA Color Health
Classification: Likely benign for Familial thoracic aortic aneurysm and aortic dissection. Last evaluated: 2022-11-06. Review status: criteria provided, single submitter. Criteria: ACMG Guidelines, 2015. Collection method: clinical testing. Allele origin: germline.

NM_003242.6(TGFBR2):c.570C>G (p.Arg190=)

Gene: TGFBR2 (transforming growth factor beta receptor 2; plus strand). Cytogenetic location: 3p24.1.
Variant type: single nucleotide variant.
Coding change: c.570C>G on transcript NM_003242.6 (MANE Select); coding-DNA position 570, C replaced by G.
Protein change: p.Arg190=; no amino-acid change (arginine 190 retained).
Molecular consequence: synonymous variant. On other transcripts: intron variant (1).
Genome position (GRCh38, 1-based): chr3:30,671,753, C>G. VCF-style: chr3-30671753-C-G. GRCh37 (hg19) VCF-style: chr3-30713245-C-G.
Other names: c.570C>G (NM_003242.5); c.645C>G, p.Arg215= (NM_001024847.3); c.753C>G, p.Arg251= (NM_001407126.1); c.678C>G, p.Arg226= (NM_001407127.1); c.597C>G, p.Arg199= (NM_001407128.1); c.573C>G, p.Arg191= (NM_001407129.1); c.570C>G, p.Arg190= (NM_001407130.1); c.465C>G, p.Arg155= (NM_001407132.1, NM_001407133.1, NM_001407134.1 and 2 more transcripts); and 3 more.
Identifiers: ClinVar variation 3386066 (VCV003386066.5).